The following is an entry in ClinVar:

ClinVar aggregate classification (germline): Uncertain significance (1 of 4 stars; one submission).

Submission:

GeneDx
Classification: Uncertain significance. Last evaluated: 2026-04-10. Review status: criteria provided, single submitter. Criteria: GeneDx Variant Classification Process June 2021. Collection method: clinical testing. Allele origin: germline.
Comment: Has not been previously published as pathogenic or benign to our knowledge; No data available from control populations to assess the frequency of this variant; In silico analysis suggests this variant may impact gene splicing. In the absence of RNA/functional studies, the actual effect of this sequence change is unknown.

NM_001101426.4(CRPPA):c.789+973C>G

Gene: CRPPA (CDP-L-ribitol pyrophosphorylase A; minus strand). Cytogenetic location: 7p21.2.
Variant type: single nucleotide variant.
Coding change: c.789+973C>G on transcript NM_001101426.4 (MANE Select); 973 bases into the intron after coding-DNA position 789, C replaced by G.
Molecular consequence: intron variant.
Genome position (GRCh38, 1-based): chr7:16,307,550, G>C on the plus strand (C>G on the coding strand, the complement: CRPPA is on the minus strand). VCF-style: chr7-16307550-G-C. GRCh37 (hg19) VCF-style: chr7-16347175-G-C.
Other names: p.?; c.639+973C>G (NM_001101417.4); c.685-6084C>G (NM_001368197.1).
Identifiers: ClinVar variation 4857059 (VCV004857059.1).
Genomic context (GRCh38, chr7:16,307,550, plus strand): 5'-TGGCCAACATGGTGAAACCCCGTCTCTACTAAAAATACAAAAATTAGCCGGGTGGTGGTA[G>C]GCACCTGTGATCCCAGCTACTTGGGAGGCTGGGACAGGAGAATTGCTTGAAATTTGGAGG-3'